The following is an entry in ClinVar:

NM_001355436.2(SPTB):c.4973+8del

Gene: SPTB (spectrin beta, erythrocytic; minus strand). Cytogenetic location: 14q23.3.
Variant type: Deletion.
Coding change: c.4973+8del on transcript NM_001355436.2 (MANE Select); 8 bases into the intron after coding-DNA position 4973, one base deleted (C; older notation c.4973+8delC).
Molecular consequence: intron variant.
Genome position (GRCh38, 1-based): chr14:64,774,389, G deleted on the plus strand (C on the coding strand, the reverse complement: SPTB is on the minus strand). VCF-style (leftmost placement, unchanged base first): chr14-64774388-CG-C. GRCh37 (hg19) VCF-style: chr14-65241106-CG-C.
Other names: p.?; c.4973+8del (NM_001024858.4, NM_001355437.2).
Identifiers: ClinVar variation 1599438 (VCV001599438.9), dbSNP rs549990894, ClinGen allele CA7230142.

ClinVar aggregate classification (germline): Benign/Likely benign. Review status: criteria provided, multiple submitters, no conflicts (2 of 4 stars). 2 submissions from 2 submitters: Benign (1); Likely benign (1). Last evaluated 2025-03-25.

Allele frequency attached by ClinVar (database versions not stated): gnomAD exomes 0.00005 and 0.00016; ExAC 0.00047; ESP Exome Variant Server 0.00048; TOPMed 0.00059; gnomAD 0.00060 and 0.00061; 1000 Genomes Project 0.00100.

Submissions (2):

Labcorp Genetics (formerly Invitae), Labcorp
Classification: Benign. Last evaluated: 2025-03-25. Review status: criteria provided, single submitter. Criteria: Invitae Variant Classification Sherloc (09022015). Collection method: clinical testing. Allele origin: germline.

Mayo Clinic Laboratories, Mayo Clinic
Classification: Likely benign. Last evaluated: 2025-01-10. Review status: criteria provided, single submitter. Criteria: ACMG Guidelines, 2015. Collection method: clinical testing. Allele origin: germline. Observed: 1 variant allele.
Comment: BP4, BP7